The following is an entry in ClinVar:

ClinVar aggregate classification (germline): Benign/Likely benign. Review status: criteria provided, multiple submitters, no conflicts (2 of 4 stars). 3 submissions from 3 submitters: Benign (1); Likely benign (2). Last evaluated 2024-05-20.

Conditions:
Ataxia-telangiectasia syndrome (AT). Also called: Cerebello-oculocutaneous telangiectasia; Immunodeficiency with ataxia telangiectasia; LOUIS-BAR SYNDROME; Ataxia-telangiectasia, complementation group D; AT, COMPLEMENTATION GROUP C; Ataxia-telangiectasia, complementation group E. Identifiers: Orphanet 100, MedGen C0004135, MONDO:0008840, OMIM 208900.
Hereditary cancer-predisposing syndrome. Also called: Hereditary neoplastic syndrome; Hereditary Cancer Syndrome; Tumor predisposition; Neoplastic Syndromes, Hereditary. Identifiers: Orphanet 140162, MedGen C0027672, MeSH D009386, MONDO:0015356.
Familial cancer of breast. Also called: hereditary breast carcinoma; BREAST CANCER, FAMILIAL; Hereditary breast cancer. Identifiers: Orphanet 227535, MedGen C0346153, MONDO:0016419, OMIM 114480. Disease mechanism: loss of function.

Submissions (3):

Myriad Genetics, Inc.
Classification: Benign for Familial cancer of breast. Last evaluated: 2024-05-20. Review status: criteria provided, single submitter. Criteria: Myriad Autosomal Dominant, Autosomal Recessive and X-Linked Classification Criteria (2023). Collection method: clinical testing. Allele origin: unknown.
Comment: This variant is considered benign. This variant is a silent/synonymous amino acid change and it is not expected to impact splicing.

Labcorp Genetics (formerly Invitae), Labcorp
Classification: Likely benign for Ataxia-telangiectasia syndrome. Last evaluated: 2023-10-12. Review status: criteria provided, single submitter. Criteria: Invitae Variant Classification Sherloc (09022015). Collection method: clinical testing. Allele origin: germline.

Ambry Genetics
Classification: Likely benign for Hereditary cancer-predisposing syndrome. Last evaluated: 2021-07-04. Review status: criteria provided, single submitter. Criteria: Ambry Variant Classification Scheme 2023. Collection method: clinical testing. Allele origin: germline.

NM_000051.4(ATM):c.4518G>C (p.Val1506=)

Gene: ATM (ATM serine/threonine kinase; plus strand). Cytogenetic location: 11q22.3.
Variant type: single nucleotide variant.
Coding change: c.4518G>C on transcript NM_000051.4 (MANE Select); coding-DNA position 4518, G replaced by C.
Protein change: p.Val1506=; no amino-acid change (valine 1506 retained).
Molecular consequence: synonymous variant.
Genome position (GRCh38, 1-based): chr11:108,292,700, G>C. VCF-style: chr11-108292700-G-C. GRCh37 (hg19) VCF-style: chr11-108163427-G-C.
Other names: c.4518G>C, p.Val1506= (NM_001351834.2).
Identifiers: ClinVar variation 1667801 (VCV001667801.11), dbSNP rs1057524110, ClinGen allele CA476674176.